The following is an entry in ClinVar:

ClinVar aggregate classification (germline): Uncertain significance. Review status: criteria provided, multiple submitters, no conflicts (2 of 4 stars). 2 submissions from 2 submitters: Uncertain significance (2). Last evaluated 2025-09-18.

Conditions:
Hereditary cancer-predisposing syndrome. Also called: Neoplastic Syndromes, Hereditary; Hereditary Cancer Syndrome; Hereditary neoplastic syndrome; Tumor predisposition. Identifiers: Orphanet 140162, MedGen C0027672, MeSH D009386, MONDO:0015356.
Birt-Hogg-Dube syndrome. Also called: Birt Hogg Dubé syndrome. Identifiers: Orphanet 122, MedGen C0346010, MONDO:0800444.

Submissions (2):

Ambry Genetics
Classification: Uncertain significance for Hereditary cancer-predisposing syndrome. Last evaluated: 2025-09-18. Review status: criteria provided, single submitter. Criteria: Ambry Variant Classification Scheme 2023. Collection method: clinical testing. Allele origin: germline.
Comment: The p.A290S variant (also known as c.868G>T), located in coding exon 5 of the FLCN gene, results from a G to T substitution at nucleotide position 868. The alanine at codon 290 is replaced by serine, an amino acid with similar properties. This amino acid position is well conserved in available vertebrate species. In addition, the in silico prediction for this alteration is inconclusive. Based on the available evidence, the clinical significance of this variant remains unclear.

Labcorp Genetics (formerly Invitae), Labcorp
Classification: Uncertain significance for Birt-Hogg-Dube syndrome. Last evaluated: 2025-07-20. Review status: criteria provided, single submitter. Criteria: Invitae Variant Classification Sherloc (09022015). Collection method: clinical testing. Allele origin: germline.
Comment: This sequence change replaces alanine, which is neutral and non-polar, with serine, which is neutral and polar, at codon 290 of the FLCN protein (p.Ala290Ser). This variant is not present in population databases (gnomAD no frequency). This variant has not been reported in the literature in individuals affected with FLCN-related conditions. ClinVar contains an entry for this variant (Variation ID: 854076). Invitae Evidence Modeling of protein sequence and biophysical properties (such as structural, functional, and spatial information, amino acid conservation, physicochemical variation, residue mobility, and thermodynamic stability) indicates that this missense variant is not expected to disrupt FLCN protein function with a negative predictive value of 80%. In summary, the available evidence is currently insufficient to determine the role of this variant in disease. Therefore, it has been classified as a Variant of Uncertain Significance.

NM_144997.7(FLCN):c.868G>T (p.Ala290Ser)

Gene: FLCN (folliculin; minus strand). Cytogenetic location: 17p11.2.
Variant type: single nucleotide variant.
Coding change: c.868G>T on transcript NM_144997.7 (MANE Select); coding-DNA position 868, G replaced by T.
Protein change: p.Ala290Ser; replaces alanine 290 with serine.
Molecular consequence: missense variant.
Genome position (GRCh38, 1-based): chr17:17,221,540, C>A on the plus strand (G>T on the coding strand, the complement: FLCN is on the minus strand). VCF-style: chr17-17221540-C-A. GRCh37 (hg19) VCF-style: chr17-17124854-C-A.
Other names: c.922G>T, p.Ala308Ser (NM_001353229.2); c.868G>T, p.Ala290Ser (NM_001353230.2, NM_001353231.2, NM_144606.7); short protein forms A290S, A308S.
Identifiers: ClinVar variation 854076 (VCV000854076.10), dbSNP rs767119281, ClinGen allele CA398533615.